The following is an entry in ClinVar:

ClinVar aggregate classification (germline): Uncertain significance (1 of 4 stars; one submission).

Conditions:
Cardiovascular phenotype. Identifiers: MedGen CN230736.

Submission:

Ambry Genetics
Classification: Uncertain significance for Cardiovascular phenotype. Last evaluated: 2022-02-14. Review status: criteria provided, single submitter. Criteria: Ambry Variant Classification Scheme 2023. Collection method: clinical testing. Allele origin: germline.
Comment: The p.Q465H variant (also known as c.1395G>T), located in coding exon 11 of the VCL gene, results from a G to T substitution at nucleotide position 1395. The glutamine at codon 465 is replaced by histidine, an amino acid with highly similar properties. This amino acid position is conserved. In addition, the in silico prediction for this alteration is inconclusive. Since supporting evidence is limited at this time, the clinical significance of this alteration remains unclear.

NM_014000.3(VCL):c.1395G>T (p.Gln465His)

Gene: VCL (vinculin; plus strand). Cytogenetic location: 10q22.2.
Variant type: single nucleotide variant.
Coding change: c.1395G>T on transcript NM_014000.3 (MANE Select); coding-DNA position 1395, G replaced by T.
Protein change: p.Gln465His; replaces glutamine 465 with histidine.
Molecular consequence: missense variant.
Genome position (GRCh38, 1-based): chr10:74,094,313, G>T. VCF-style: chr10-74094313-G-T. GRCh37 (hg19) VCF-style: chr10-75854071-G-T.
Other names: c.1395G>T, p.Gln465His (NM_003373.4); short protein forms Q465H.
Identifiers: ClinVar variation 1771631 (VCV001771631.2), dbSNP rs2549225295, ClinGen allele CA377273724.